The following is an entry in ClinVar:

NM_006086.4(TUBB3):c.1213G>C (p.Glu405Gln)

Gene: TUBB3 (tubulin beta 3 class III; plus strand). Cytogenetic location: 16q24.3.
Variant type: single nucleotide variant.
Coding change: c.1213G>C on transcript NM_006086.4 (MANE Select); coding-DNA position 1213, G replaced by C.
Protein change: p.Glu405Gln; replaces glutamic acid 405 with glutamine.
Molecular consequence: missense variant.
Genome position (GRCh38, 1-based): chr16:89,935,664, G>C. VCF-style: chr16-89935664-G-C. GRCh37 (hg19) VCF-style: chr16-90002072-G-C.
Other names: c.997G>C, p.Glu333Gln (NM_001197181.2); short protein forms E333Q, E405Q.
Identifiers: ClinVar variation 3369545 (VCV003369545.1).
Genomic context (GRCh38, chr16:89,935,664, plus strand): 5'-TTCACGGCCATGTTCCGGCGCAAGGCCTTCCTGCACTGGTACACGGGCGAGGGCATGGAC[G>C]AGATGGAGTTCACCGAGGCCGAGAGCAACATGAACGACCTGGTGTCCGAGTACCAGCAGT-3'
Protein context (NP_006077.2, residues 395-415): LHWYTGEGMD[Glu405Gln]MEFTEAESNM

ClinVar aggregate classification (germline): Uncertain significance (1 of 4 stars; one submission).

Submission:

GeneDx
Classification: Uncertain significance. Last evaluated: 2024-02-21. Review status: criteria provided, single submitter. Criteria: GeneDx Variant Classification Process June 2021. Collection method: clinical testing. Allele origin: germline. Affected: yes.
Comment: Not observed at significant frequency in large population cohorts (gnomAD); Missense variants in this gene are a common cause of disease and they are underrepresented in the general population; In silico analysis supports that this missense variant does not alter protein structure/function; Has not been previously published as pathogenic or benign to our knowledge; This variant is associated with the following publications: (PMID: 20829227)